The following is an entry in ClinVar:

ClinVar aggregate classification (germline): Likely benign (1 of 4 stars; one submission).

Allele frequency attached by ClinVar (database versions not stated): ExAC 0.00002; gnomAD 0.00003; ESP Exome Variant Server 0.00008.
gnomAD v4.1: 47 of 1,613,770 alleles (0.0029%); highest among the groups gnomAD compares: East Asian, 0.0045%; no homozygotes.

Submission:

CeGaT Center for Human Genetics Tuebingen
Classification: Likely benign. Last evaluated: 2026-07-01. Review status: criteria provided, single submitter. Criteria: CeGaT Center For Human Genetics Tuebingen Variant Classification Criteria Version 2. Collection method: clinical testing. Allele origin: germline. Affected: yes. Observed: 2 variant alleles.
Comment: TUBGCP2: BP4, BP7

NM_006659.4(TUBGCP2):c.1641G>A (p.Thr547=)

Gene: TUBGCP2 (tubulin gamma complex component 2; minus strand). Cytogenetic location: 10q26.3.
Variant type: single nucleotide variant.
Coding change: c.1641G>A on transcript NM_006659.4 (MANE Select); coding-DNA position 1641, G replaced by A.
Protein change: p.Thr547=; no amino-acid change (threonine 547 retained).
Molecular consequence: synonymous variant. On other transcripts: non-coding transcript variant (1).
Genome position (GRCh38, 1-based): chr10:133,288,210, C>T on the plus strand (G>A on the coding strand, the complement: TUBGCP2 is on the minus strand). VCF-style: chr10-133288210-C-T. GRCh37 (hg19) VCF-style: chr10-135101714-C-T.
Other names: c.1725G>A, p.Thr575= (NM_001256617.2); c.1251G>A, p.Thr417= (NM_001256618.2).
Identifiers: ClinVar variation 2641013 (VCV002641013.24), dbSNP rs373197759, ClinGen allele CA5763922.